The following is an entry in ClinVar:

NM_000143.4(FH):c.1217A>C (p.Asn406Thr)

Gene: FH (fumarate hydratase; minus strand). Cytogenetic location: 1q43.
Variant type: single nucleotide variant.
Coding change: c.1217A>C on transcript NM_000143.4 (MANE Select); coding-DNA position 1217, A replaced by C.
Protein change: p.Asn406Thr; replaces asparagine 406 with threonine.
Molecular consequence: missense variant.
Genome position (GRCh38, 1-based): chr1:241,502,462, T>G on the plus strand (A>C on the coding strand, the complement: FH is on the minus strand). VCF-style: chr1-241502462-T-G. GRCh37 (hg19) VCF-style: chr1-241665762-T-G.
Other names: short protein forms N406T.
Identifiers: ClinVar variation 4810968 (VCV004810968.1).

ClinVar aggregate classification (germline): Uncertain significance (1 of 4 stars; one submission).

Submission:

Labcorp Genetics (formerly Invitae), Labcorp
Classification: Uncertain significance. Last evaluated: 2025-12-08. Review status: criteria provided, single submitter. Criteria: Invitae Variant Classification Sherloc (09022015). Collection method: clinical testing. Allele origin: germline.
Comment: This sequence change replaces asparagine, which is neutral and polar, with threonine, which is neutral and polar, at codon 406 of the FH protein (p.Asn406Thr). This variant is not present in population databases (gnomAD no frequency). This variant has not been reported in the literature in individuals affected with FH-related conditions. Invitae Evidence Modeling of protein sequence and biophysical properties (such as structural, functional, and spatial information, amino acid conservation, physicochemical variation, residue mobility, and thermodynamic stability) indicates that this missense variant is expected to disrupt FH protein function with a positive predictive value of 95%. In summary, the available evidence is currently insufficient to determine the role of this variant in disease. Therefore, it has been classified as a Variant of Uncertain Significance.